The following is an entry in ClinVar:

NM_001009944.3(PKD1):c.5559C>T (p.Thr1853=)

Gene: PKD1 (polycystin 1, transient receptor potential channel interacting; minus strand). Cytogenetic location: 16p13.3.
Variant type: single nucleotide variant.
Coding change: c.5559C>T on transcript NM_001009944.3 (MANE Select); coding-DNA position 5559, C replaced by T.
Protein change: p.Thr1853=; no amino-acid change (threonine 1853 retained).
Molecular consequence: synonymous variant.
Genome position (GRCh38, 1-based): chr16:2,109,608, G>A on the plus strand (C>T on the coding strand, the complement: PKD1 is on the minus strand). VCF-style: chr16-2109608-G-A. GRCh37 (hg19) VCF-style: chr16-2159609-G-A.
Other names: c.5559C>T, p.Thr1853= (NM_000296.4).
Identifiers: ClinVar variation 997211 (VCV000997211.1), dbSNP rs752107118, ClinGen allele CA7831943.

ClinVar aggregate classification (germline): Likely benign (0 of 4 stars; one submission).

Conditions:
Polycystic kidney disease. Also called: Polycystic kidney dysplasia; Kidney, Polycystic. Identifiers: MedGen C0022680, MeSH D007690, MONDO:0020642, HP:0000113.

Allele frequency attached by ClinVar (database versions not stated): gnomAD 0.00001; gnomAD exomes 0.00001; ExAC 0.00002; TOPMed 0.00002.
gnomAD v4.1: 12 of 1,610,052 alleles (0.00075%); highest among the groups gnomAD compares: South Asian, 0.0011%; no homozygotes.

Submission:

Department of Pathology and Laboratory Medicine, Sinai Health System
Classification: Likely benign for Polycystic Kidney disease. Review status: no assertion criteria provided. Collection method: clinical testing. Allele origin: unknown. Affected: yes. Study: The Canadian Open Genetics Repository (COGR).
Comment: The PKD1 p.Thr1853= variant was not identified in the literature nor was it identified in the ClinVar, GeneInsight-COGR, LOVD 3.0, ADPKD Mutation Database, or PKD1-LOVD. The variant was identified in dbSNP (ID: rs752107118) as â€šÃ„ÃºNAâ€šÃ„Ã¹, and in control databases in 3 of 233614 chromosomes at a frequency of 0.00001 (Genome Aggregation Database Feb 27, 2017). Breakdown of the observations by population include Other in 1 of 5242 chromosomes (freq: 0.0002), European Non-Finnish in 1 of 104940 chromosomes (freq: 0.00001), and South Asian in 1 of 29816 chromosomes (freq: 0.00003) while not observed in the African, Latino, Ashkenazi Jewish, East Asian and European Finnish populations. In addition we cannot be certain that data from control databases is specific to PKD1 and not from one of the six PKD1 pseudogenes. The p.Thr1853 residue is not conserved in mammals and computational analyses (PolyPhen-2, SIFT, AlignGVGD, BLOSUM, MutationTaster) do not suggest a high likelihood of impact to the protein; however, this information is not predictive enough to rule out pathogenicity. The p.Thr1853= variant is not expected to have clinical significance because it does not result in a change of amino acid and is not located in a known consensus splice site. In addition, in silico or computational prediction software programs (SpliceSiteFinder, MaxEntScan, NNSPLICE, GeneSplicer, HumanSpliceFinder) do not predict a difference in splicing. In summary, based on the above information the clinical significance of this variant cannot be determined with certainty at this time although we would lean towards a more benign role for this variant. This variant is classified as likely benign.